The following is an entry in ClinVar:

NM_000218.3(KCNQ1):c.1762A>G (p.Ile588Val)

Gene: KCNQ1 (potassium voltage-gated channel subfamily Q member 1; plus strand). Cytogenetic location: 11p15.5.
Variant type: single nucleotide variant.
Coding change: c.1762A>G on transcript NM_000218.3 (MANE Select); coding-DNA position 1762, A replaced by G.
Protein change: p.Ile588Val; replaces isoleucine 588 with valine.
Molecular consequence: missense variant.
Genome position (GRCh38, 1-based): chr11:2,778,005, A>G. VCF-style: chr11-2778005-A-G. GRCh37 (hg19) VCF-style: chr11-2799235-A-G.
Other names: c.1666A>G, p.Ile556Val (NM_001406836.1); c.1492A>G, p.Ile498Val (NM_001406837.1); c.1222A>G, p.Ile408Val (NM_001406838.1); c.274A>G, p.Ile92Val (NM_001406839.1); c.1381A>G, p.Ile461Val (NM_181798.2); short protein forms I461V, I588V, I92V, I408V, I556V, I498V.
Identifiers: ClinVar variation 918864 (VCV000918864.6), dbSNP rs794728536, ClinGen allele CA379139706.

ClinVar aggregate classification (germline): Uncertain significance (1 of 4 stars; one submission).

Conditions:
Cardiac arrhythmia. Also called: Cardiac rhythm disease; Arrhythmia. Identifiers: MedGen C0003811, MONDO:0007263, HP:0011675.

Submission:

Color Diagnostics, LLC DBA Color Health
Classification: Uncertain significance for Cardiac arrhythmia. Last evaluated: 2019-09-13. Review status: criteria provided, single submitter. Criteria: ACMG Guidelines, 2015. Collection method: clinical testing. Allele origin: germline.
Comment: This missense variant replaces isoleucine with valine at codon 588 of the KCNQ1 protein. Computational prediction tool suggests that this variant may have deleterious impact on protein structure and function (internally defined REVEL score threshold ≥0.7, PMID: 27666373). Splice site prediction tools suggest that this variant may not impact RNA splicing. To our knowledge, functional studies have not been performed for this variant. This variant has not been reported in individuals affected with cardiovascular disorders in the literature. This variant has not been identified in the general population by the Genome Aggregation Database (gnomAD). The available evidence is insufficient to determine the role of this variant in disease conclusively. Therefore, this variant is classified as a Variant of Uncertain Significance.